The following is an entry in ClinVar:

NM_006755.2(TALDO1):c.691_692insGC (p.Thr231fs)

Gene: TALDO1 (transaldolase 1; plus strand). Cytogenetic location: 11p15.5.
Variant type: Insertion.
Coding change: c.691_692insGC on transcript NM_006755.2 (MANE Select); coding-DNA positions 691 to 692, GC inserted.
Protein change: p.Thr231fs; shifts the reading frame from threonine 231.
Molecular consequence: frameshift variant.
Genome position: GRCh38 VCF-style: chr11-763800-A-AGC. GRCh37 (hg19) VCF-style: chr11-763800-A-AGC.
Other names: short protein forms T231fs.
Identifiers: ClinVar variation 4856828 (VCV004856828.2).

ClinVar aggregate classification (germline): Likely pathogenic (1 of 4 stars; one submission).

Submission:

Dasa
Classification: Likely pathogenic. Last evaluated: 2024-08-20. Review status: criteria provided, single submitter. Criteria: DASA Assertion Criteria. Collection method: clinical testing. Allele origin: germline.
Comment: NM_006755.2(TALDO1):c.691_692insGC (p.Thr231Serfs*91) is a frameshift variant in TALDO1 predicted to alter the reading frame and introduce a premature termination codon and is predicted to result in an absent or altered protein product. Loss of function is an established disease mechanism for TALDO1-associated disorders. Also, this variant is absent from population databases. Based on the currently available evidence, this variant is classified as likely pathogenic.